The following is an entry in ClinVar:

ClinVar aggregate classification (germline): Uncertain significance. Review status: criteria provided, multiple submitters, no conflicts (2 of 4 stars). 2 submissions from 2 submitters: Uncertain significance (2). Last evaluated 2023-09-28.

gnomAD v4.1: 4 of 1,614,128 alleles (0.00025%); highest among the groups gnomAD compares: Non-Finnish European, 0.00034%; no homozygotes.

Submissions (2):

Blueprint Genetics
Classification: Uncertain significance. Last evaluated: 2023-09-28. Review status: criteria provided, single submitter. Criteria: ACMG Guidelines, 2015. Collection method: clinical testing. Allele origin: germline.

Labcorp Genetics (formerly Invitae), Labcorp
Classification: Uncertain significance. Last evaluated: 2022-08-31. Review status: criteria provided, single submitter. Criteria: Invitae Variant Classification Sherloc (09022015). Collection method: clinical testing. Allele origin: germline.
Comment: This variant has not been reported in the literature in individuals affected with ABCB4-related conditions. In summary, the available evidence is currently insufficient to determine the role of this variant in disease. Therefore, it has been classified as a Variant of Uncertain Significance. Advanced modeling of protein sequence and biophysical properties (such as structural, functional, and spatial information, amino acid conservation, physicochemical variation, residue mobility, and thermodynamic stability) performed at Invitae indicates that this missense variant is expected to disrupt ABCB4 protein function. This variant is not present in population databases (gnomAD no frequency). This sequence change replaces glycine, which is neutral and non-polar, with valine, which is neutral and non-polar, at codon 845 of the ABCB4 protein (p.Gly845Val).

NM_000443.4(ABCB4):c.2534G>T (p.Gly845Val)

Gene: ABCB4 (ATP binding cassette subfamily B member 4; minus strand). Cytogenetic location: 7q21.12.
Variant type: single nucleotide variant.
Coding change: c.2534G>T on transcript NM_000443.4 (MANE Select); coding-DNA position 2534, G replaced by T.
Protein change: p.Gly845Val; replaces glycine 845 with valine.
Molecular consequence: missense variant.
Genome position (GRCh38, 1-based): chr7:87,417,460, C>A on the plus strand (G>T on the coding strand, the complement: ABCB4 is on the minus strand). VCF-style: chr7-87417460-C-A. GRCh37 (hg19) VCF-style: chr7-87046776-C-A.
Other names: c.2534G>T, p.Gly845Val (NM_018849.3, NM_018850.3); short protein forms G845V.
Identifiers: ClinVar variation 2100150 (VCV002100150.5), dbSNP rs749391307, ClinGen allele CA368061519.